The following is an entry in ClinVar:

NM_001365999.1(SZT2):c.455C>A (p.Thr152Asn)

Gene: SZT2 (SZT2 subunit of KICSTOR complex; plus strand). Cytogenetic location: 1p34.2.
Variant type: single nucleotide variant.
Coding change: c.455C>A on transcript NM_001365999.1 (MANE Select); coding-DNA position 455, C replaced by A.
Protein change: p.Thr152Asn; replaces threonine 152 with asparagine.
Molecular consequence: missense variant.
Genome position (GRCh38, 1-based): chr1:43,404,507, C>A. VCF-style: chr1-43404507-C-A. GRCh37 (hg19) VCF-style: chr1-43870178-C-A.
Other names: c.455C>A, p.Thr152Asn (NM_015284.4); short protein forms T152N.
Identifiers: ClinVar variation 1059727 (VCV001059727.6), dbSNP rs148786528, ClinGen allele CA21621667.

ClinVar aggregate classification (germline): Uncertain significance (1 of 4 stars; one submission).

Allele frequency attached by ClinVar (database versions not stated): TOPMed below 0.00001; gnomAD 0.00001; ESP Exome Variant Server 0.00008.
gnomAD v4.1: 1 of 1,613,838 alleles (0.000062%); highest among the groups gnomAD compares: African/African-American, 0.0013%; no homozygotes.

Submission:

Labcorp Genetics (formerly Invitae), Labcorp
Classification: Uncertain significance. Last evaluated: 2022-01-13. Review status: criteria provided, single submitter. Criteria: Invitae Variant Classification Sherloc (09022015). Collection method: clinical testing. Allele origin: germline.
Comment: This sequence change replaces threonine, which is neutral and polar, with asparagine, which is neutral and polar, at codon 152 of the SZT2 protein (p.Thr152Asn). This variant is not present in population databases (gnomAD no frequency). This variant has not been reported in the literature in individuals affected with SZT2-related conditions. ClinVar contains an entry for this variant (Variation ID: 1059727). Algorithms developed to predict the effect of missense changes on protein structure and function are either unavailable or do not agree on the potential impact of this missense change (SIFT: "Deleterious"; PolyPhen-2: "Probably Damaging"; Align-GVGD: "Class C0"). In summary, the available evidence is currently insufficient to determine the role of this variant in disease. Therefore, it has been classified as a Variant of Uncertain Significance.